The following is an entry in ClinVar:

ClinVar aggregate classification (germline): Benign/Likely benign. Review status: criteria provided, multiple submitters, no conflicts (2 of 4 stars). 3 submissions from 3 submitters: Benign (1); Likely benign (2). Last evaluated 2025-11-02.

Conditions:
Hereditary cancer-predisposing syndrome. Also called: Neoplastic Syndromes, Hereditary; Hereditary Cancer Syndrome; Hereditary neoplastic syndrome; Tumor predisposition. Identifiers: Orphanet 140162, MedGen C0027672, MeSH D009386, MONDO:0015356.
Oligodontia-cancer predisposition syndrome. Also called: TOOTH AGENESIS-COLORECTAL CANCER SYNDROME. Identifiers: Orphanet 300576, MedGen C1837750, MONDO:0012075, OMIM 608615. Disease mechanism: loss of function.

gnomAD v4.1: 1 of 1,613,152 alleles (0.000062%); highest among the groups gnomAD compares: Non-Finnish European, 0.000085%; no homozygotes.

Submissions (3):

Labcorp Genetics (formerly Invitae), Labcorp
Classification: Likely benign for Oligodontia-cancer predisposition syndrome. Last evaluated: 2025-11-02. Review status: criteria provided, single submitter. Criteria: Invitae Variant Classification Sherloc (09022015). Collection method: clinical testing. Allele origin: germline.

Myriad Genetics, Inc.
Classification: Benign for Oligodontia-cancer predisposition syndrome. Last evaluated: 2024-07-08. Review status: criteria provided, single submitter. Criteria: Myriad Autosomal Dominant, Autosomal Recessive and X-Linked Classification Criteria (2023). Collection method: clinical testing. Allele origin: unknown.
Comment: This variant is considered benign. This variant is a silent/synonymous amino acid change and it is not expected to impact splicing.

Ambry Genetics
Classification: Likely benign for Hereditary cancer-predisposing syndrome. Last evaluated: 2020-09-11. Review status: criteria provided, single submitter. Criteria: Ambry Variant Classification Scheme 2023. Collection method: clinical testing. Allele origin: germline.

NM_004655.4(AXIN2):c.1902C>G (p.Pro634=)

Gene: AXIN2 (axin 2; minus strand). Cytogenetic location: 17q24.1.
Variant type: single nucleotide variant.
Coding change: c.1902C>G on transcript NM_004655.4 (MANE Select); coding-DNA position 1902, C replaced by G.
Protein change: p.Pro634=; no amino-acid change (proline 634 retained).
Molecular consequence: synonymous variant. On other transcripts: intron variant (1).
Genome position (GRCh38, 1-based): chr17:65,536,874, G>C on the plus strand (C>G on the coding strand, the complement: AXIN2 is on the minus strand). VCF-style: chr17-65536874-G-C. GRCh37 (hg19) VCF-style: chr17-63532992-G-C.
Other names: c.1713-321C>G (NM_001363813.1).
Identifiers: ClinVar variation 1651649 (VCV001651649.11), dbSNP rs1168312455, ClinGen allele CA501691038.